The following is an entry in ClinVar:

NM_203447.4(DOCK8):c.4790A>T (p.Glu1597Val)

Gene: DOCK8 (dedicator of cytokinesis 8; plus strand). Cytogenetic location: 9p24.3.
Variant type: single nucleotide variant.
Coding change: c.4790A>T on transcript NM_203447.4 (MANE Select); coding-DNA position 4790, A replaced by T.
Protein change: p.Glu1597Val; replaces glutamic acid 1597 with valine.
Molecular consequence: missense variant.
Genome position (GRCh38, 1-based): chr9:433,879, A>T. VCF-style: chr9-433879-A-T. GRCh37 (hg19) VCF-style: chr9-433879-A-T.
Other names: c.4490A>T, p.Glu1497Val (NM_001190458.2); c.4586A>T, p.Glu1529Val (NM_001193536.2); short protein forms E1597V, E1497V, E1529V.
Identifiers: ClinVar variation 570276 (VCV000570276.7), dbSNP rs373454848, ClinGen allele CA4959212.

ClinVar aggregate classification (germline): Uncertain significance. Review status: criteria provided, multiple submitters, no conflicts (2 of 4 stars). 2 submissions from 2 submitters: Uncertain significance (2). Last evaluated 2025-11-19.

Conditions:
Inborn genetic diseases. Identifiers: MedGen C0950123, MeSH D030342.
Combined immunodeficiency due to DOCK8 deficiency (HIES2). Also called: HIES autosomal recessive; DOCK8 Deficiency; HYPER-IgE RECURRENT INFECTION SYNDROME 2, AUTOSOMAL RECESSIVE; Hyper-IgE recurrent infection syndrome, autosomal recessive; HYPER-IgE SYNDROME 2, AUTOSOMAL RECESSIVE, WITH RECURRENT INFECTIONS. Identifiers: Orphanet 217390, MedGen C4722305, MONDO:0009478, OMIM 243700.

Allele frequency attached by ClinVar (database versions not stated): ExAC 0.00002; gnomAD 0.00003; gnomAD exomes 0.00003 and 0.00009; TOPMed 0.00003; ESP Exome Variant Server 0.00008.
gnomAD v4.1: 131 of 1,613,478 alleles (0.0081%); highest among the groups gnomAD compares: Non-Finnish European, 0.011%; no homozygotes.

Submissions (2):

Ambry Genetics
Classification: Uncertain significance for Inborn genetic diseases. Last evaluated: 2025-11-19. Review status: criteria provided, single submitter. Criteria: Ambry Variant Classification Scheme 2023. Collection method: clinical testing. Allele origin: germline.

Labcorp Genetics (formerly Invitae), Labcorp
Classification: Uncertain significance for Combined immunodeficiency due to DOCK8 deficiency. Last evaluated: 2022-03-17. Review status: criteria provided, single submitter. Criteria: Invitae Variant Classification Sherloc (09022015). Collection method: clinical testing. Allele origin: germline.
Comment: This sequence change replaces glutamic acid, which is acidic and polar, with valine, which is neutral and non-polar, at codon 1597 of the DOCK8 protein (p.Glu1597Val). This variant is present in population databases (rs373454848, gnomAD 0.007%). This variant has not been reported in the literature in individuals affected with DOCK8-related conditions. ClinVar contains an entry for this variant (Variation ID: 570276). Algorithms developed to predict the effect of missense changes on protein structure and function are either unavailable or do not agree on the potential impact of this missense change (SIFT: "Deleterious"; PolyPhen-2: "Benign"; Align-GVGD: "Class C0"). In summary, the available evidence is currently insufficient to determine the role of this variant in disease. Therefore, it has been classified as a Variant of Uncertain Significance.